The following is an entry in ClinVar:

NM_001271938.2(MEGF8):c.270C>T (p.Asp90=)

Gene: MEGF8 (multiple EGF like domains 8; plus strand). Cytogenetic location: 19q13.2.
Variant type: single nucleotide variant.
Coding change: c.270C>T on transcript NM_001271938.2 (MANE Select); coding-DNA position 270, C replaced by T.
Protein change: p.Asp90=; no amino-acid change (aspartic acid 90 retained).
Molecular consequence: synonymous variant.
Genome position (GRCh38, 1-based): chr19:42,333,687, C>T. VCF-style: chr19-42333687-C-T. GRCh37 (hg19) VCF-style: chr19-42837839-C-T.
Other names: c.270C>T, p.Asp90= (NM_001410.3).
Identifiers: ClinVar variation 3037239 (VCV003037239.4), dbSNP rs376175890, ClinGen allele CA9474103.

ClinVar aggregate classification (germline): Likely benign. Review status: criteria provided, multiple submitters, no conflicts (2 of 4 stars). 3 submissions from 3 submitters: Likely benign (2). 1 of the submissions does not count toward it. Last evaluated 2025-10-09.

Conditions:
MEGF8-related Carpenter syndrome. Also called: Carpenter syndrome 2. Identifiers: Orphanet 65759, MedGen C3554247, MONDO:0013998, OMIM 614976.
MEGF8-related disorder. Also called: MEGF8-related condition.

Allele frequency attached by ClinVar (database versions not stated): gnomAD exomes 0.00005; ExAC 0.00011; TOPMed 0.00011; gnomAD 0.00012; ESP Exome Variant Server 0.00016.
gnomAD v4.1: 88 of 1,613,892 alleles (0.0055%); highest among the groups gnomAD compares: African/African-American, 0.024%; no homozygotes.

Submissions (3):

Women's Health and Genetics/Laboratory Corporation of America, LabCorp
Classification: Likely benign. Last evaluated: 2025-10-09. Review status: criteria provided, single submitter. Criteria: LabCorp Variant Classification Summary - May 2015. Collection method: clinical testing. Allele origin: germline.

Labcorp Genetics (formerly Invitae), Labcorp
Classification: Likely benign for MEGF8-related Carpenter syndrome. Last evaluated: 2025-10-02. Review status: criteria provided, single submitter. Criteria: Invitae Variant Classification Sherloc (09022015). Collection method: clinical testing. Allele origin: germline.

PreventionGenetics, part of Exact Sciences
Classification: Likely benign for MEGF8-related condition. Last evaluated: 2020-01-02. Review status: no assertion criteria provided. Collection method: clinical testing. Allele origin: germline. Not counted in ClinVar's aggregate classification.
Comment: This variant is classified as likely benign based on ACMG/AMP sequence variant interpretation guidelines (Richards et al. 2015 PMID: 25741868, with internal and published modifications).